The following is an entry in ClinVar:

ClinVar aggregate classification (germline): Conflicting classifications of pathogenicity. Review status: criteria provided, conflicting classifications (1 of 4 stars). 3 submissions from 3 submitters: Uncertain significance (2); Benign (1). Last evaluated 2024-01-24.

Conditions:
GATA1-related disorder. Also called: GATA1-related condition.
Inborn genetic diseases. Identifiers: MedGen C0950123, MeSH D030342.
Diamond-Blackfan anemia. Also called: Blackfan Diamond syndrome; Aregenerative anemia chronic congenital; Red cell aplasia, pure hereditary; Congenital hypoplastic anemia; Aase syndrome. Identifiers: Orphanet 124, MedGen C1260899, MeSH D029503, MONDO:0015253, HP:0004810.
GATA binding protein 1 related thrombocytopenia with dyserythropoiesis. Also called: GATA1-Related X-Linked Cytopenia; GATA1-Related Cytopenia. Identifiers: MedGen C1845837, MONDO:0100089.

Allele frequency attached by ClinVar (database versions not stated): TOPMed 0.00003; gnomAD exomes 0.00004; gnomAD 0.00005; ExAC 0.00012; ESP Exome Variant Server 0.00019.
gnomAD v4.1: 49 of 1,202,647 alleles (0.0041%); highest among the groups gnomAD compares: Middle Eastern, 0.025%; no homozygotes.

Submissions (3):

Ambry Genetics
Classification: Uncertain significance for Inborn genetic diseases. Last evaluated: 2024-01-24. Review status: criteria provided, single submitter. Criteria: Ambry Variant Classification Scheme 2023. Collection method: clinical testing. Allele origin: germline.

Labcorp Genetics (formerly Invitae), Labcorp
Classification: Benign for GATA binding protein 1 related thrombocytopenia with dyserythropoiesis; Diamond-Blackfan anemia. Last evaluated: 2024-01-03. Review status: criteria provided, single submitter. Criteria: Invitae Variant Classification Sherloc (09022015). Collection method: clinical testing. Allele origin: germline.

PreventionGenetics, part of Exact Sciences
Classification: Uncertain significance for GATA1-related condition. Last evaluated: 2022-10-12. Review status: criteria provided, single submitter. Criteria: ACMG Guidelines, 2015. Collection method: clinical testing. Allele origin: germline.
Comment: The GATA1 c.196G>A variant is predicted to result in the amino acid substitution p.Ala66Thr. To our knowledge, this variant has not been reported in the literature. This variant is reported in 0.023% of alleles in individuals of Latino descent in gnomAD and is present in the hemizygous state in six individuals of European (Non-Finnish) descent. This variant is likely too common to be causative of germline disease. However, at this time, the clinical significance of this variant is uncertain due to the absence of conclusive functional and genetic evidence.

NM_002049.4(GATA1):c.196G>A (p.Ala66Thr)

Gene: GATA1 (GATA binding protein 1; plus strand). Cytogenetic location: Xp11.23.
Variant type: single nucleotide variant.
Coding change: c.196G>A on transcript NM_002049.4 (MANE Select); coding-DNA position 196, G replaced by A.
Protein change: p.Ala66Thr; replaces alanine 66 with threonine.
Molecular consequence: missense variant.
Genome position (GRCh38, 1-based): chrX:48,791,305, G>A. VCF-style: chrX-48791305-G-A. GRCh37 (hg19) VCF-style: chrX-48649712-G-A.
Other names: short protein forms A66T.
Identifiers: ClinVar variation 2634504 (VCV002634504.5), dbSNP rs149753411, ClinGen allele CA10404552.
Genomic context (GRCh38, chrX:48,791,305, plus strand): 5'-TCCTCCACTGCCCCGAGCACAGCCACCGCTGCAGCTGCGGCACTGGCCTACTACAGGGAC[G>A]CTGAGGCCTACAGACACTCCCCAGGTAACTCCATTGAGTGGCTGTCTTGGCATTGGCTGA-3'
Protein context (NP_002040.1, residues 56-76): AAAALAYYRD[Ala66Thr]EAYRHSPVFQ